The following is an entry in ClinVar:

ClinVar aggregate classification (germline): Benign. Review status: criteria provided, multiple submitters, no conflicts (2 of 4 stars). 2 submissions from 2 submitters: Benign (2). Last evaluated 2018-01-13.

Conditions:
Congenital stromal corneal dystrophy (CSCD). Identifiers: Orphanet 101068, MedGen C1864738, MONDO:0012401, OMIM 610048.

Allele frequency attached by ClinVar (database versions not stated): 1000 Genomes Project 0.01617; 1000 Genomes Project 30x 0.01702; ESP Exome Variant Server 0.01799; gnomAD 0.02082 and 0.02097; gnomAD exomes 0.02280 and 0.02627; ExAC 0.02352; TOPMed 0.02419.
gnomAD v4.1: 31,518 of 1,404,532 alleles (2.2%); highest among the groups gnomAD compares: Admixed American, 8.1%; 567 homozygotes.

Submissions (2):

Illumina Laboratory Services, Illumina
Classification: Benign for Congenital stromal corneal dystrophy. Last evaluated: 2018-01-13. Review status: criteria provided, single submitter. Criteria: ICSL Variant Classification Criteria 13 December 2019. Collection method: clinical testing. Allele origin: germline.
Comment: This variant was observed in the ICSL laboratory as part of a predisposition screen in an ostensibly healthy population. It had not been previously curated by ICSL or reported in the Human Gene Mutation Database (HGMD: prior to June 1st, 2018), and was therefore a candidate for classification through an automated scoring system. Utilizing variant allele frequency, disease prevalence and penetrance estimates, and inheritance mode, an automated score was calculated to assess if this variant is too frequent to cause the disease. Based on the score and internal cut-off values, a variant classified as benign is not then subjected to further curation. The score for this variant resulted in a classification of benign for this disease.

Breakthrough Genomics
Classification: Benign. Review status: criteria provided, single submitter. Criteria: ACMG Guidelines, 2015. Collection method: not provided. Allele origin: germline. Inheritance: Autosomal dominant inheritance. Affected: yes.

NM_001920.5(DCN):c.*51A>G

Gene: DCN (decorin; minus strand). Cytogenetic location: 12q21.33.
Variant type: single nucleotide variant.
Coding change: c.*51A>G on transcript NM_001920.5 (MANE Select); 51 bases downstream of the stop codon, A replaced by G.
Molecular consequence: 3 prime UTR variant.
Genome position (GRCh38, 1-based): chr12:91,146,007, T>C on the plus strand (A>G on the coding strand, the complement: DCN is on the minus strand). VCF-style: chr12-91146007-T-C. GRCh37 (hg19) VCF-style: chr12-91539784-T-C.
Other names: c.*51A>G (NM_133503.4, NM_133504.3, NM_133505.3 and 1 more transcripts); c.*229A>G (NM_133507.3).
Identifiers: ClinVar variation 310650 (VCV000310650.6), dbSNP rs1803343, ClinGen allele CA6716861.